The following is an entry in ClinVar:

ClinVar aggregate classification (germline): Uncertain significance (1 of 4 stars; one submission).

Conditions:
Dilated cardiomyopathy 1DD (CMD1DD). Identifiers: Orphanet 154, MedGen C2750995, MONDO:0013168, OMIM 613172.

Submission:

Labcorp Genetics (formerly Invitae), Labcorp
Classification: Uncertain significance for Dilated cardiomyopathy 1DD. Last evaluated: 2024-04-25. Review status: criteria provided, single submitter. Criteria: Invitae Variant Classification Sherloc (09022015). Collection method: clinical testing. Allele origin: germline.
Comment: This sequence change replaces arginine, which is basic and polar, with proline, which is neutral and non-polar, at codon 666 of the RBM20 protein (p.Arg666Pro). This variant is not present in population databases (gnomAD no frequency). This variant has not been reported in the literature in individuals affected with RBM20-related conditions. Advanced modeling of protein sequence and biophysical properties (such as structural, functional, and spatial information, amino acid conservation, physicochemical variation, residue mobility, and thermodynamic stability) has been performed at Invitae for this missense variant, however the output from this modeling did not meet the statistical confidence thresholds required to predict the impact of this variant on RBM20 protein function. In summary, the available evidence is currently insufficient to determine the role of this variant in disease. Therefore, it has been classified as a Variant of Uncertain Significance.

NM_001134363.3(RBM20):c.1997G>C (p.Arg666Pro)

Gene: RBM20 (RNA binding motif protein 20; plus strand). Cytogenetic location: 10q25.2.
Variant type: single nucleotide variant.
Coding change: c.1997G>C on transcript NM_001134363.3 (MANE Select); coding-DNA position 1997, G replaced by C.
Protein change: p.Arg666Pro; replaces arginine 666 with proline.
Molecular consequence: missense variant.
Genome position (GRCh38, 1-based): chr10:110,812,394, G>C. VCF-style: chr10-110812394-G-C. GRCh37 (hg19) VCF-style: chr10-112572152-G-C.
Other names: short protein forms R666P.
Identifiers: ClinVar variation 3669602 (VCV003669602.2).